The following is an entry in ClinVar:

NM_003265.3(TLR3):c.1385A>T (p.Tyr462Phe)

Gene: TLR3 (toll like receptor 3; plus strand). Cytogenetic location: 4q35.1.
Variant type: single nucleotide variant.
Coding change: c.1385A>T on transcript NM_003265.3 (MANE Select); coding-DNA position 1385, A replaced by T.
Protein change: p.Tyr462Phe; replaces tyrosine 462 with phenylalanine.
Molecular consequence: missense variant.
Genome position (GRCh38, 1-based): chr4:186,083,071, A>T. VCF-style: chr4-186083071-A-T. GRCh37 (hg19) VCF-style: chr4-187004225-A-T.
Other names: short protein forms Y462F.
Identifiers: ClinVar variation 952606 (VCV000952606.10), dbSNP rs1312965236, ClinGen allele CA358932091.
Genomic context (GRCh38, chr4:186,083,071, plus strand): 5'-AAATTGGGCAAGAACTCACAGGCCAGGAATGGAGAGGTCTAGAAAATATTTTCGAAATCT[A>T]TCTTTCCTACAACAAGTACCTGCAGCTGACTAGGAACTCCTTTGCCTTGGTCCCAAGCCT-3'
Protein context (NP_003256.1, residues 452-472): WRGLENIFEI[Tyr462Phe]LSYNKYLQLT

ClinVar aggregate classification (germline): Uncertain significance (1 of 4 stars; one submission).

Conditions:
Encephalopathy, acute, infection-induced (herpes-specific), susceptibility to, 1. Also called: Herpes simplex encephalitis, susceptibility to, 1. Identifiers: Orphanet 1930, MedGen C2750180, MONDO:0024563, OMIM 610551.

Allele frequency attached by ClinVar (database versions not stated): gnomAD exomes below 0.00001.

Submission:

Labcorp Genetics (formerly Invitae), Labcorp
Classification: Uncertain significance for Encephalopathy, acute, infection-induced (herpes-specific), susceptibility to, 1. Last evaluated: 2019-04-05. Review status: criteria provided, single submitter. Criteria: Invitae Variant Classification Sherloc (09022015). Collection method: clinical testing. Allele origin: germline.
Comment: This sequence change replaces tyrosine with phenylalanine at codon 462 of the TLR3 protein (p.Tyr462Phe). The tyrosine residue is highly conserved and there is a small physicochemical difference between tyrosine and phenylalanine. In summary, the available evidence is currently insufficient to determine the role of this variant in disease. Therefore, it has been classified as a Variant of Uncertain Significance. Algorithms developed to predict the effect of missense changes on protein structure and function are either unavailable or do not agree on the potential impact of this missense change (SIFT: "Tolerated"; PolyPhen-2: "Probably Damaging"; Align-GVGD: "Class C0"). This variant has not been reported in the literature in individuals with TLR3-related conditions. This variant is not present in population databases (ExAC no frequency).